The following is an entry in ClinVar:

NM_002471.4(MYH6):c.4165G>A (p.Glu1389Lys)

Gene: MYH6 (myosin heavy chain 6; minus strand). Cytogenetic location: 14q11.2.
Variant type: single nucleotide variant.
Coding change: c.4165G>A on transcript NM_002471.4 (MANE Select); coding-DNA position 4165, G replaced by A.
Protein change: p.Glu1389Lys; replaces glutamic acid 1389 with lysine.
Molecular consequence: missense variant.
Genome position (GRCh38, 1-based): chr14:23,388,869, C>T on the plus strand (G>A on the coding strand, the complement: MYH6 is on the minus strand). VCF-style: chr14-23388869-C-T. GRCh37 (hg19) VCF-style: chr14-23858078-C-T.
Other names: short protein forms E1389K.
Identifiers: ClinVar variation 44505 (VCV000044505.13), dbSNP rs397516768, ClinGen allele CA134385.

ClinVar aggregate classification (germline): Uncertain significance. Review status: criteria provided, multiple submitters, no conflicts (2 of 4 stars). 2 submissions from 2 submitters: Uncertain significance (2). Last evaluated 2021-09-25.

Conditions:
Hypertrophic cardiomyopathy 14. Identifiers: MedGen C2750467, MONDO:0013197, OMIM 613251.

Allele frequency attached by ClinVar (database versions not stated): gnomAD 0.00001; TOPMed 0.00002.
gnomAD v4.1: 8 of 1,613,708 alleles (0.0005%); highest among the groups gnomAD compares: Middle Eastern, 0.017%; no homozygotes.

Submissions (2):

Labcorp Genetics (formerly Invitae), Labcorp
Classification: Uncertain significance for Hypertrophic cardiomyopathy 14. Last evaluated: 2021-09-25. Review status: criteria provided, single submitter. Criteria: Invitae Variant Classification Sherloc (09022015). Collection method: clinical testing. Allele origin: germline.
Comment: In summary, the available evidence is currently insufficient to determine the role of this variant in disease. Therefore, it has been classified as a Variant of Uncertain Significance. Algorithms developed to predict the effect of missense changes on protein structure and function are either unavailable or do not agree on the potential impact of this missense change (SIFT: "Tolerated"; PolyPhen-2: "Possibly Damaging"; Align-GVGD: "Class C0"). ClinVar contains an entry for this variant (Variation ID: 44505). This missense change has been observed in individual(s) with clinical features of MYH6-related conditions (PMID: 29247119). This variant is not present in population databases (ExAC no frequency). This sequence change replaces glutamic acid with lysine at codon 1389 of the MYH6 protein (p.Glu1389Lys). The glutamic acid residue is moderately conserved and there is a small physicochemical difference between glutamic acid and lysine.

Laboratory for Molecular Medicine, Mass General Brigham Personalized Medicine
Classification: Uncertain significance. Last evaluated: 2012-04-11. Review status: criteria provided, single submitter. Criteria: LMM Criteria. Collection method: clinical testing. Allele origin: germline. Observed: 1 variant allele.
Comment: The Glu1389Lys variant (MYH6) has not been reported in the literature nor previo usly identified by our laboratory. Computational analyses (biochemical amino aci d properties, conservation, AlignGVGD, PolyPhen2, and SIFT) suggest that this va riant may impact the protein though this information is not predictive enough to determine pathogenicity. Additional information is needed to fully assess the c linical significance of this variant.

Literature cited by the submitters: PubMed 29247119 (cited by Labcorp Genetics (formerly Invitae), Labcorp).